The following is an entry in ClinVar:

NM_005228.5(EGFR):c.281A>G (p.Asn94Ser)

Gene: EGFR (epidermal growth factor receptor; plus strand). Cytogenetic location: 7p11.2.
Variant type: single nucleotide variant.
Coding change: c.281A>G on transcript NM_005228.5 (MANE Select); coding-DNA position 281, A replaced by G.
Protein change: p.Asn94Ser; replaces asparagine 94 with serine.
Molecular consequence: missense variant. On other transcripts: intron variant (1).
Genome position (GRCh38, 1-based): chr7:55,143,345, A>G. VCF-style: chr7-55143345-A-G. GRCh37 (hg19) VCF-style: chr7-55211038-A-G.
Other names: c.281A>G, p.Asn94Ser (NM_001346897.2, NM_001346898.2, NM_001346899.2 and 3 more transcripts); c.122A>G, p.Asn41Ser (NM_001346900.2); c.89-12485A>G (NM_001346941.2); short protein forms N41S, N94S.
Identifiers: ClinVar variation 1058317 (VCV001058317.9), dbSNP rs2128927256, ClinGen allele CA367575702.

ClinVar aggregate classification (germline): Uncertain significance (1 of 4 stars; one submission).

Conditions:
EGFR-related lung cancer (EGFR). Identifiers: MedGen CN130014.

Submission:

Labcorp Genetics (formerly Invitae), Labcorp
Classification: Uncertain significance for EGFR-related lung cancer. Last evaluated: 2026-02-03. Review status: criteria provided, single submitter. Criteria: Invitae Variant Classification Sherloc (09022015). Collection method: clinical testing. Allele origin: germline.
Comment: This sequence change replaces asparagine, which is neutral and polar, with serine, which is neutral and polar, at codon 94 of the EGFR protein (p.Asn94Ser). This variant is not present in population databases (gnomAD no frequency). This missense change has been observed in individual(s) with Hodgkin lymphoma (PMID: 34308104). ClinVar contains an entry for this variant (Variation ID: 1058317). Invitae Evidence Modeling of protein sequence and biophysical properties (such as structural, functional, and spatial information, amino acid conservation, physicochemical variation, residue mobility, and thermodynamic stability) has been performed for this missense variant. However, the output from this modeling did not meet the statistical confidence thresholds required to predict the impact of this variant on EGFR protein function. In summary, the available evidence is currently insufficient to determine the role of this variant in disease. Therefore, it has been classified as a Variant of Uncertain Significance.

Literature cited by the submitters: PubMed 34308104.